The following is an entry in ClinVar:

NM_000214.3(JAG1):c.3455A>C (p.His1152Pro)

Gene: JAG1 (jagged canonical Notch ligand 1; minus strand). Cytogenetic location: 20p12.2.
Variant type: single nucleotide variant.
Coding change: c.3455A>C on transcript NM_000214.3 (MANE Select); coding-DNA position 3455, A replaced by C.
Protein change: p.His1152Pro; replaces histidine 1152 with proline.
Molecular consequence: missense variant.
Genome position (GRCh38, 1-based): chr20:10,639,700, T>G on the plus strand (A>C on the coding strand, the complement: JAG1 is on the minus strand). VCF-style: chr20-10639700-T-G. GRCh37 (hg19) VCF-style: chr20-10620348-T-G.
Other names: short protein forms H1152P.
Identifiers: ClinVar variation 1714790 (VCV001714790.5), dbSNP rs2067256686, ClinGen allele CA408242897.

ClinVar aggregate classification (germline): Uncertain significance (1 of 4 stars; one submission).

Conditions:
Alagille syndrome due to a JAG1 point mutation. Also called: Alagille Syndrome 1; HEPATIC DUCTULAR HYPOPLASIA, SYNDROMATIC; JAG1-Related Alagille Syndrome. Identifiers: Orphanet 261619, Orphanet 52, MedGen C1956125, MONDO:0016862, OMIM 118450.

Allele frequency attached by ClinVar (database versions not stated): gnomAD exomes below 0.00001; TOPMed below 0.00001; gnomAD 0.00001.
gnomAD v4.1: 2 of 1,614,116 alleles (0.00012%); highest among the groups gnomAD compares: Non-Finnish European, 0.00017%; no homozygotes.

Submission:

Labcorp Genetics (formerly Invitae), Labcorp
Classification: Uncertain significance for Alagille syndrome due to a JAG1 point mutation. Last evaluated: 2022-07-15. Review status: criteria provided, single submitter. Criteria: Invitae Variant Classification Sherloc (09022015). Collection method: clinical testing. Allele origin: germline.
Comment: Advanced modeling of protein sequence and biophysical properties (such as structural, functional, and spatial information, amino acid conservation, physicochemical variation, residue mobility, and thermodynamic stability) performed at Invitae indicates that this missense variant is not expected to disrupt JAG1 protein function. This variant has not been reported in the literature in individuals affected with JAG1-related conditions. This variant is not present in population databases (gnomAD no frequency). In summary, the available evidence is currently insufficient to determine the role of this variant in disease. Therefore, it has been classified as a Variant of Uncertain Significance. This sequence change replaces histidine, which is basic and polar, with proline, which is neutral and non-polar, at codon 1152 of the JAG1 protein (p.His1152Pro).